The following is an entry in ClinVar:

ClinVar aggregate classification (germline): Uncertain significance. Review status: criteria provided, multiple submitters, no conflicts (2 of 4 stars). 4 submissions from 4 submitters: Uncertain significance (4). Last evaluated 2025-04-13.

Conditions:
Fraser syndrome 1 (FRASRS1). Also called: CRYPTOPHTHALMOS WITH OTHER MALFORMATIONS. Identifiers: Orphanet 2052, MedGen C4551480, MONDO:0054737, OMIM 219000.
Inborn genetic diseases. Identifiers: MedGen C0950123, MeSH D030342.

Allele frequency attached by ClinVar (database versions not stated): 1000 Genomes Project 30x 0.00016; 1000 Genomes Project 0.00020; TOPMed 0.00049.
gnomAD v4.1: 71 of 1,613,744 alleles (0.0044%); highest among the groups gnomAD compares: East Asian, 0.0067%; no homozygotes.

Submissions (4):

Ambry Genetics
Classification: Uncertain significance for Inborn genetic diseases. Last evaluated: 2025-04-13. Review status: criteria provided, single submitter. Criteria: Ambry Variant Classification Scheme 2023. Collection method: clinical testing. Allele origin: germline.

Labcorp Genetics (formerly Invitae), Labcorp
Classification: Uncertain significance. Last evaluated: 2022-05-16. Review status: criteria provided, single submitter. Criteria: Invitae Variant Classification Sherloc (09022015). Collection method: clinical testing. Allele origin: germline.
Comment: This sequence change replaces arginine, which is basic and polar, with glutamine, which is neutral and polar, at codon 3704 of the FRAS1 protein (p.Arg3704Gln). This variant is present in population databases (rs141843124, gnomAD 0.007%). This variant has not been reported in the literature in individuals affected with FRAS1-related conditions. ClinVar contains an entry for this variant (Variation ID: 349812). Algorithms developed to predict the effect of missense changes on protein structure and function (SIFT, PolyPhen-2, Align-GVGD) all suggest that this variant is likely to be disruptive. In summary, the available evidence is currently insufficient to determine the role of this variant in disease. Therefore, it has been classified as a Variant of Uncertain Significance.

Fulgent Genetics
Classification: Uncertain significance for Fraser syndrome 1. Last evaluated: 2021-12-08. Review status: criteria provided, single submitter. Criteria: ACMG Guidelines, 2015. Collection method: clinical testing. Allele origin: unknown.

Illumina Laboratory Services, Illumina
Classification: Uncertain significance for Fraser syndrome 1. Last evaluated: 2018-01-13. Review status: criteria provided, single submitter. Criteria: ICSL Variant Classification Criteria 13 December 2019. Collection method: clinical testing. Allele origin: germline.

NM_025074.7(FRAS1):c.11111G>A (p.Arg3704Gln)

Gene: FRAS1 (Fraser extracellular matrix complex subunit 1; plus strand). Cytogenetic location: 4q21.21.
Variant type: single nucleotide variant.
Coding change: c.11111G>A on transcript NM_025074.7 (MANE Select); coding-DNA position 11111, G replaced by A.
Protein change: p.Arg3704Gln; replaces arginine 3704 with glutamine.
Molecular consequence: missense variant.
Genome position (GRCh38, 1-based): chr4:78,537,013, G>A. VCF-style: chr4-78537013-G-A. GRCh37 (hg19) VCF-style: chr4-79458167-G-A.
Other names: short protein forms R3704Q.
Identifiers: ClinVar variation 349812 (VCV000349812.8), dbSNP rs141843124, ClinGen allele CA2979152.